The following is an entry in ClinVar:

ClinVar aggregate classification (germline): Conflicting classifications of pathogenicity. Review status: criteria provided, conflicting classifications (1 of 4 stars). 3 submissions from 3 submitters: Uncertain significance (1); Likely benign (2). Last evaluated 2025-10-01.

Conditions:
Inborn genetic diseases. Identifiers: MedGen C0950123, MeSH D030342.
Dextro-looped transposition of the great arteries. Also called: Dextrotransposition of the great arteries. Identifiers: Orphanet 860, MedGen C3531771, MONDO:0019443, OMIM 608808, HP:0031348.

Allele frequency attached by ClinVar (database versions not stated): gnomAD exomes 0.00004; TOPMed 0.00004; ExAC 0.00006; gnomAD 0.00006; ESP Exome Variant Server 0.00008.
gnomAD v4.1: 101 of 1,614,014 alleles (0.0063%); highest among the groups gnomAD compares: Non-Finnish European, 0.0081%; no homozygotes.

Submissions (4):

CeGaT Center for Human Genetics Tuebingen
Classification: Likely benign. Last evaluated: 2025-10-01. Review status: criteria provided, single submitter. Criteria: CeGaT Center For Human Genetics Tuebingen Variant Classification Criteria Version 2. Collection method: clinical testing. Allele origin: germline. Affected: yes. Observed: 2 variant alleles.
Comment: MED13L: BP4

Labcorp Genetics (formerly Invitae), Labcorp
Classification: Uncertain significance for Dextro-looped transposition of the great arteries. Last evaluated: 2024-05-29. Review status: criteria provided, single submitter. Criteria: Invitae Variant Classification Sherloc (09022015). Collection method: clinical testing. Allele origin: germline.
Comment: This sequence change replaces arginine, which is basic and polar, with glutamine, which is neutral and polar, at codon 1263 of the MED13L protein (p.Arg1263Gln). This variant is present in population databases (rs374506267, gnomAD 0.01%), and has an allele count higher than expected for a pathogenic variant. This variant has not been reported in the literature in individuals affected with MED13L-related conditions. ClinVar contains an entry for this variant (Variation ID: 659195). Advanced modeling of protein sequence and biophysical properties (such as structural, functional, and spatial information, amino acid conservation, physicochemical variation, residue mobility, and thermodynamic stability) performed at Invitae indicates that this missense variant is not expected to disrupt MED13L protein function with a negative predictive value of 80%. In summary, the available evidence is currently insufficient to determine the role of this variant in disease. Therefore, it has been classified as a Variant of Uncertain Significance.

Ambry Genetics
Classification: Likely benign for Inborn genetic diseases. Last evaluated: 2021-12-13. Review status: criteria provided, single submitter. Criteria: Ambry Variant Classification Scheme 2023. Collection method: clinical testing. Allele origin: germline.

Dr. Peter K. Rogan Lab, Western University
No classification provided (evidence only). Condition: Thymoma. Review status: no classification provided. Collection method: in vitro. Allele origin: not applicable. Functional consequence: retained intron. Not counted in ClinVar's aggregate classification.

NM_015335.5(MED13L):c.3788G>A (p.Arg1263Gln)

Gene: MED13L (mediator complex subunit 13L; minus strand). Cytogenetic location: 12q24.21.
Variant type: single nucleotide variant.
Coding change: c.3788G>A on transcript NM_015335.5 (MANE Select); coding-DNA position 3788, G replaced by A.
Protein change: p.Arg1263Gln; replaces arginine 1263 with glutamine.
Molecular consequence: missense variant.
Genome position (GRCh38, 1-based): chr12:115,991,166, C>T on the plus strand (G>A on the coding strand, the complement: MED13L is on the minus strand). VCF-style: chr12-115991166-C-T. GRCh37 (hg19) VCF-style: chr12-116428971-C-T.
Other names: short protein forms R1263Q.
Identifiers: ClinVar variation 659195 (VCV000659195.25), dbSNP rs374506267, ClinGen allele CA6810935.